The following is an entry in ClinVar:

ClinVar aggregate classification (germline): Uncertain significance (1 of 4 stars; one submission).

Conditions:
Wilms tumor 1 (WT1). Also called: Wilms tumor, somatic. Identifiers: Orphanet 654, MedGen CN033288, MONDO:0008679, OMIM 194070.

Submission:

Labcorp Genetics (formerly Invitae), Labcorp
Classification: Uncertain significance for Wilms tumor 1. Last evaluated: 2021-05-10. Review status: criteria provided, single submitter. Criteria: Invitae Variant Classification Sherloc (09022015). Collection method: clinical testing. Allele origin: germline.
Comment: This sequence change replaces tyrosine with asparagine at codon 314 of the GPC3 protein (p.Tyr314Asn). The tyrosine residue is moderately conserved and there is a large physicochemical difference between tyrosine and asparagine. This variant is not present in population databases (ExAC no frequency). This variant has not been reported in the literature in individuals with GPC3-related conditions. Algorithms developed to predict the effect of missense changes on protein structure and function are either unavailable or do not agree on the potential impact of this missense change (SIFT: "Tolerated"; PolyPhen-2: "Probably Damaging"; Align-GVGD: "Class C0"). In summary, the available evidence is currently insufficient to determine the role of this variant in disease. Therefore, it has been classified as a Variant of Uncertain Significance.

NM_004484.4(GPC3):c.940T>A (p.Tyr314Asn)

Gene: GPC3 (glypican 3; minus strand). Cytogenetic location: Xq26.2.
Variant type: single nucleotide variant.
Coding change: c.940T>A on transcript NM_004484.4 (MANE Select); coding-DNA position 940, T replaced by A.
Protein change: p.Tyr314Asn; replaces tyrosine 314 with asparagine.
Molecular consequence: missense variant.
Genome position (GRCh38, 1-based): chrX:133,753,574, A>T on the plus strand (T>A on the coding strand, the complement: GPC3 is on the minus strand). VCF-style: chrX-133753574-A-T. GRCh37 (hg19) VCF-style: chrX-132887601-A-T.
Other names: c.940T>A, p.Tyr314Asn (NM_001164617.2); c.892T>A, p.Tyr298Asn (NM_001164618.2); c.778T>A, p.Tyr260Asn (NM_001164619.2); short protein forms Y298N, Y314N, Y260N.
Identifiers: ClinVar variation 1367282 (VCV001367282.8), dbSNP rs2124479870, ClinGen allele CA414705205.
Genomic context (GRCh38, chrX:133,753,574, plus strand): 5'-CATACTGGATAGAATCATGGATTGTTGAAAAGAGACCAAGCAGTACGTTCTCCATGTCAT[A>T]GATTCTGTACATGCCATTCACAAGTTCTTCAAGGGACAGAATGTATTCTCTCCAGTACTT-3'
Protein context (NP_004475.1, residues 304-324): EELVNGMYRI[Tyr314Asn]DMENVLLGLF